The following is an entry in ClinVar:

NM_001611.5(ACP5):c.757G>A (p.Val253Met)

Gene: ACP5 (acid phosphatase 5, tartrate resistant; minus strand). Cytogenetic location: 19p13.2.
Variant type: single nucleotide variant.
Coding change: c.757G>A on transcript NM_001611.5 (MANE Select); coding-DNA position 757, G replaced by A.
Protein change: p.Val253Met; replaces valine 253 with methionine.
Molecular consequence: missense variant.
Genome position (GRCh38, 1-based): chr19:11,575,231, C>T on the plus strand (G>A on the coding strand, the complement: ACP5 is on the minus strand). VCF-style: chr19-11575231-C-T. GRCh37 (hg19) VCF-style: chr19-11686046-C-T.
Other names: c.757G>A, p.Val253Met (NM_001111034.3, NM_001111035.3, NM_001111036.3 and 1 more transcripts); short protein forms V253M.
Identifiers: ClinVar variation 855765 (VCV000855765.8), dbSNP rs371116310, ClinGen allele CA9215327.

ClinVar aggregate classification (germline): Uncertain significance (1 of 4 stars; one submission).

Conditions:
Spondyloenchondrodysplasia with immune dysregulation (SPENCDI). Also called: COMBINED IMMUNODEFICIENCY WITH AUTOIMMUNITY AND SPONDYLOMETAPHYSEAL DYSPLASIA; ROIFMAN IMMUNOSKELETAL SYNDROME; SPONDYLOENCHONDRODYSPLASIA WITH OR WITHOUT IMMUNE DYSREGULATION. Identifiers: Orphanet 1855, MedGen C1842763, MONDO:0011939, OMIM 607944.

Allele frequency attached by ClinVar (database versions not stated): gnomAD exomes 0.00001; TOPMed 0.00003; ESP Exome Variant Server 0.00008; ExAC 0.00003; gnomAD 0.00005.
gnomAD v4.1: 17 of 1,613,670 alleles (0.0011%); highest among the groups gnomAD compares: African/African-American, 0.0067%; no homozygotes.

Submission:

Labcorp Genetics (formerly Invitae), Labcorp
Classification: Uncertain significance for Spondyloenchondrodysplasia with immune dysregulation. Last evaluated: 2022-08-10. Review status: criteria provided, single submitter. Criteria: Invitae Variant Classification Sherloc (09022015). Collection method: clinical testing. Allele origin: germline.
Comment: In summary, the available evidence is currently insufficient to determine the role of this variant in disease. Therefore, it has been classified as a Variant of Uncertain Significance. Algorithms developed to predict the effect of missense changes on protein structure and function are either unavailable or do not agree on the potential impact of this missense change (SIFT: "Not Available"; PolyPhen-2: "Possibly Damaging"; Align-GVGD: "Not Available"). ClinVar contains an entry for this variant (Variation ID: 855765). This variant has not been reported in the literature in individuals affected with ACP5-related conditions. This variant is present in population databases (rs371116310, gnomAD 0.02%). This sequence change replaces valine, which is neutral and non-polar, with methionine, which is neutral and non-polar, at codon 253 of the ACP5 protein (p.Val253Met).